The following is an entry in ClinVar:

ClinVar aggregate classification (germline): Pathogenic (1 of 4 stars; one submission).

Conditions:
Cystic fibrosis (CF). Also called: MUCOVISCIDOSIS. Identifiers: Orphanet 586, MedGen C0010674, MONDO:0009061, OMIM 219700. Disease mechanism: loss of function.

Submission:

Women's Health and Genetics/Laboratory Corporation of America, LabCorp
Classification: Pathogenic for Cystic fibrosis. Last evaluated: 2024-04-30. Review status: criteria provided, single submitter. Criteria: LabCorp Variant Classification Summary - May 2015. Collection method: clinical testing. Allele origin: germline.
Comment: Variant summary: CFTR c.3136G>T (p.Glu1046X) results in a premature termination codon, predicted to cause absence of the protein due to nonsense mediated decay, which is a commonly known mechanisms for disease. The variant was absent in 250734 control chromosomes. c.3136G>T has been reported in the literature in one unspecified individual affected with Cystic Fibrosis (example, Krenkova_2012). To our knowledge, no experimental evidence demonstrating an impact on protein function has been reported. The following publication has been ascertained in the context of this evaluation (PMID: 23276700). No submitters have cited clinical-significance assessments for this variant to ClinVar. Based on the evidence outlined above, the variant was classified as pathogenic.

Literature cited by the submitters: PubMed 23276700.

NM_000492.4(CFTR):c.3136G>T (p.Glu1046Ter)

Genes: CFTR (CF transmembrane conductance regulator; plus strand), CFTR-AS2 (CFTR antisense RNA 2; minus strand), LOC111674472 (DNase I hypersensitive sites in introns 16 and 17a of CFTR; plus strand). Cytogenetic location: 7q31.2.
Variant type: single nucleotide variant.
Coding change: c.3136G>T on transcript NM_000492.4 (MANE Select); coding-DNA position 3136, G replaced by T.
Protein change: p.Glu1046Ter; replaces glutamic acid 1046 with a stop codon.
Molecular consequence: nonsense.
Genome position (GRCh38, 1-based): chr7:117,610,666, G>T. VCF-style: chr7-117610666-G-T. GRCh37 (hg19) VCF-style: chr7-117250720-G-T.
Other names: short protein forms E1046*.
Identifiers: ClinVar variation 3251539 (VCV003251539.1), dbSNP rs2485129172.